The following is an entry in ClinVar:

ClinVar aggregate classification (germline): Benign (1 of 4 stars; one submission).

Allele frequency attached by ClinVar (database versions not stated): 1000 Genomes Project 0.36122; 1000 Genomes Project 30x 0.36446; TOPMed 0.53617; gnomAD 0.57172 and 0.57819.
gnomAD v4.1: 85,465 of 149,004 alleles (57%); highest among the groups gnomAD compares: Non-Finnish European, 78%; 29,395 homozygotes.

Submission:

GeneDx
Classification: Benign. Last evaluated: 2018-06-14. Review status: criteria provided, single submitter. Criteria: GeneDx Variant Classification (06012015). Collection method: clinical testing. Allele origin: germline. Affected: yes.
Comment: This variant is considered likely benign or benign based on one or more of the following criteria: it is a conservative change, it occurs at a poorly conserved position in the protein, it is predicted to be benign by multiple in silico algorithms, and/or has population frequency not consistent with disease.

NM_144670.6(A2ML1):c.409+302T>C

Genes: A2ML1-AS1 (A2ML1 antisense RNA 1; minus strand), A2ML1 (alpha-2-macroglobulin like 1; plus strand). Cytogenetic location: 12p13.31.
Variant type: single nucleotide variant.
Coding change: c.409+302T>C on transcript NM_144670.6 (MANE Select); 302 bases into the intron after coding-DNA position 409, T replaced by C.
Molecular consequence: intron variant.
Genome position (GRCh38, 1-based): chr12:8,824,184, T>C. VCF-style: chr12-8824184-T-C. GRCh37 (hg19) VCF-style: chr12-8976780-T-C.
Identifiers: ClinVar variation 561805 (VCV000561805.1), dbSNP rs11047443, ClinGen allele CA15728647.
Genomic context (GRCh38, chr12:8,824,184, plus strand): 5'-ATAGAATTTGGCAAGTATAACTGGGTTGCTGGGCCTTACAACAAACTGCTTGTAAATGGC[T>C]AAGAAAGCACTGAGGGCATTTGGCTTGAGCTACTGGGGTTTTTTTTTTTTTTTTTTTTTT-3'